The following is an entry in ClinVar:

ClinVar aggregate classification (germline): Uncertain significance (1 of 4 stars; one submission).

Conditions:
Shprintzen-Goldberg syndrome (SGS). Also called: SHPRINTZEN-GOLDBERG CRANIOSYNOSTOSIS SYNDROME; CRANIOSYNOSTOSIS WITH ARACHNODACTYLY AND ABDOMINAL HERNIAS; Marfanoid disorder with craniosynostosis type 1; Marfanoid craniosynostosis syndrome; Shprintzen-Goldberg marfanoid syndrome. Identifiers: Orphanet 2462, MedGen C1321551, MONDO:0008426, OMIM 182212.

Submission:

Labcorp Genetics (formerly Invitae), Labcorp
Classification: Uncertain significance for Shprintzen-Goldberg syndrome. Last evaluated: 2023-01-31. Review status: criteria provided, single submitter. Criteria: Invitae Variant Classification Sherloc (09022015). Collection method: clinical testing. Allele origin: germline.
Comment: This sequence change replaces tyrosine, which is neutral and polar, with asparagine, which is neutral and polar, at codon 313 of the SKI protein (p.Tyr313Asn). This variant is not present in population databases (gnomAD no frequency). This variant has not been reported in the literature in individuals affected with SKI-related conditions. Advanced modeling of protein sequence and biophysical properties (such as structural, functional, and spatial information, amino acid conservation, physicochemical variation, residue mobility, and thermodynamic stability) has been performed at Invitae for this missense variant, however the output from this modeling did not meet the statistical confidence thresholds required to predict the impact of this variant on SKI protein function. In summary, the available evidence is currently insufficient to determine the role of this variant in disease. Therefore, it has been classified as a Variant of Uncertain Significance.

NM_003036.4(SKI):c.937T>A (p.Tyr313Asn)

Gene: SKI (SKI proto-oncogene; plus strand). Cytogenetic location: 1p36.33.
Variant type: single nucleotide variant.
Coding change: c.937T>A on transcript NM_003036.4 (MANE Select); coding-DNA position 937, T replaced by A.
Protein change: p.Tyr313Asn; replaces tyrosine 313 with asparagine.
Molecular consequence: missense variant.
Genome position (GRCh38, 1-based): chr1:2,229,703, T>A. VCF-style: chr1-2229703-T-A. GRCh37 (hg19) VCF-style: chr1-2161142-T-A.
Other names: short protein forms Y313N.
Identifiers: ClinVar variation 2833305 (VCV002833305.3), dbSNP rs2527581034, ClinGen allele CA337956520.